The following is an entry in ClinVar:

NM_000238.4(KCNH2):c.374T>G (p.Phe125Cys)

Gene: KCNH2 (potassium voltage-gated channel subfamily H member 2; minus strand). Cytogenetic location: 7q36.1.
Variant type: single nucleotide variant.
Coding change: c.374T>G on transcript NM_000238.4 (MANE Select); coding-DNA position 374, T replaced by G.
Protein change: p.Phe125Cys; replaces phenylalanine 125 with cysteine.
Molecular consequence: missense variant.
Genome position (GRCh38, 1-based): chr7:150,959,670, A>C on the plus strand (T>G on the coding strand, the complement: KCNH2 is on the minus strand). VCF-style: chr7-150959670-A-C. GRCh37 (hg19) VCF-style: chr7-150656758-A-C.
Other names: c.374T>G (LRG_288t1); c.86T>G, p.Phe29Cys (NM_001406753.1, NM_001406756.1); c.197T>G, p.Phe66Cys (NM_001406755.1); c.74T>G, p.Phe25Cys (NM_001406757.1); c.374T>G, p.Phe125Cys (NM_172056.3); short protein forms F125C, F25C, F29C, F66C.
Identifiers: ClinVar variation 67502 (VCV000067502.11), dbSNP rs199473499, ClinGen allele CA008385.

ClinVar aggregate classification (germline): Uncertain significance. Review status: criteria provided, multiple submitters, no conflicts (2 of 4 stars). 3 submissions from 3 submitters: Uncertain significance (2). 1 of the submissions does not count toward it. Last evaluated 2024-05-07.

Conditions:
Cardiovascular phenotype. Identifiers: MedGen CN230736.
Familial long QT syndrome (RWS). Also called: Congenital long QT syndrome; Romano-Ward syndrome; VENTRICULAR FIBRILLATION WITH PROLONGED QT INTERVAL. Identifiers: Orphanet 768, MedGen C1141890, MONDO:0019171.
Long QT syndrome (LQTS). Identifiers: MedGen C0023976, MeSH D008133, MONDO:0002442. Disease mechanism: loss of function. Inheritance: Various modes of inheritance.

Submissions (3):

Labcorp Genetics (formerly Invitae), Labcorp
Classification: Uncertain significance for Long QT syndrome. Last evaluated: 2024-05-07. Review status: criteria provided, single submitter. Criteria: Invitae Variant Classification Sherloc (09022015). Collection method: clinical testing. Allele origin: germline.
Comment: This sequence change replaces phenylalanine, which is neutral and non-polar, with cysteine, which is neutral and slightly polar, at codon 125 of the KCNH2 protein (p.Phe125Cys). This variant is not present in population databases (gnomAD no frequency). This missense change has been observed in individual(s) with clinical features of long QT syndrome (PMID: 19716085). ClinVar contains an entry for this variant (Variation ID: 67502). An algorithm developed to predict the effect of missense changes on protein structure and function (PolyPhen-2) suggests that this variant is likely to be disruptive. Experimental studies have shown that this missense change does not substantially affect KCNH2 function (PMID: 2581653, 25417810). In summary, the available evidence is currently insufficient to determine the role of this variant in disease. Therefore, it has been classified as a Variant of Uncertain Significance.

Ambry Genetics
Classification: Uncertain significance for Cardiovascular phenotype. Last evaluated: 2015-08-05. Review status: criteria provided, single submitter. Criteria: Ambry Variant Classification Scheme 2023. Collection method: clinical testing. Allele origin: germline.
Comment: Based on insufficient or conflicting evidence, the clinical significance of this alteration remains unclear.

Cardiovascular Biomedical Research Unit, Royal Brompton & Harefield NHS Foundation Trust
No classification provided. Condition: Familial long QT syndrome. Review status: no classification provided. Collection method: literature only. Allele origin: germline. Not counted in ClinVar's aggregate classification.
Comment: This variant has been reported as associated with Long QT syndrome in the following publications (PMID:19716085). This is a literature report, and does not necessarily reflect the clinical interpretation of the Imperial College / Royal Brompton Cardiovascular Genetics laboratory.

Literature cited by the submitters: PubMed 19716085 (cited by Labcorp Genetics (formerly Invitae), Labcorp and Cardiovascular Biomedical Research Unit, Royal Brompton & Harefield NHS Foundation Trust); PubMed 2581653 (cited by Labcorp Genetics (formerly Invitae), Labcorp); PubMed 25417810 (cited by Labcorp Genetics (formerly Invitae), Labcorp); PubMed 22581653 (cited by Cardiovascular Biomedical Research Unit, Royal Brompton & Harefield NHS Foundation Trust).